The following is an entry in ClinVar:

ClinVar aggregate classification (germline): Uncertain significance (1 of 4 stars; one submission).

Conditions:
Familial cancer of breast. Also called: Hereditary breast cancer; BREAST CANCER, FAMILIAL; hereditary breast carcinoma. Identifiers: Orphanet 227535, MedGen C0346153, MONDO:0016419, OMIM 114480. Disease mechanism: loss of function.

Submission:

Labcorp Genetics (formerly Invitae), Labcorp
Classification: Uncertain significance for Familial cancer of breast. Last evaluated: 2021-10-08. Review status: criteria provided, single submitter. Criteria: Invitae Variant Classification Sherloc (09022015). Collection method: clinical testing. Allele origin: germline.
Comment: In summary, the available evidence is currently insufficient to determine the role of this variant in disease. Therefore, it has been classified as a Variant of Uncertain Significance. Variants that disrupt the consensus splice site are a relatively common cause of aberrant splicing (PMID: 17576681, 9536098). Algorithms developed to predict the effect of sequence changes on RNA splicing suggest that this variant may disrupt the consensus splice site. This variant has not been reported in the literature in individuals affected with PALB2-related conditions. This variant is not present in population databases (ExAC no frequency). This sequence change falls in intron 7 of the PALB2 gene. It does not directly change the encoded amino acid sequence of the PALB2 protein. It affects a nucleotide within the consensus splice site of the intron.

Literature cited by the submitters: PubMed 17576681; PubMed 9536098.

NM_024675.4(PALB2):c.2749-3T>G

Gene: PALB2 (partner and localizer of BRCA2; minus strand). Cytogenetic location: 16p12.2.
Variant type: single nucleotide variant.
Coding change: c.2749-3T>G on transcript NM_024675.4 (MANE Select); 3 bases into the intron before coding-DNA position 2749, T replaced by G.
Molecular consequence: intron variant.
Genome position (GRCh38, 1-based): chr16:23,624,097, A>C on the plus strand (T>G on the coding strand, the complement: PALB2 is on the minus strand). VCF-style: chr16-23624097-A-C. GRCh37 (hg19) VCF-style: chr16-23635418-A-C.
Identifiers: ClinVar variation 1384059 (VCV001384059.7), dbSNP rs2142344782, ClinGen allele CA494181312.